The following is an entry in ClinVar:

NM_003647.3(DGKE):c.883A>G (p.Ile295Val)

Gene: DGKE (diacylglycerol kinase epsilon; plus strand). Cytogenetic location: 17q22.
Variant type: single nucleotide variant.
Coding change: c.883A>G on transcript NM_003647.3 (MANE Select); coding-DNA position 883, A replaced by G.
Protein change: p.Ile295Val; replaces isoleucine 295 with valine.
Molecular consequence: missense variant.
Genome position (GRCh38, 1-based): chr17:56,848,060, A>G. VCF-style: chr17-56848060-A-G. GRCh37 (hg19) VCF-style: chr17-54925421-A-G.
Other names: p.Ile295Val; short protein forms I295V.
Identifiers: ClinVar variation 4542205 (VCV004542205.1).
Genomic context (GRCh38, chr17:56,848,060, plus strand): 5'-CTTGTTTGTGGAGGGGATGGGACTGTAGGGTGGGTCCTGGATGCAGTTGATGACATGAAG[A>G]TTAAGGTATTAGTCTTTAAGAACTACTACAGAAGGACTTCTAAGATAAATATACTATACA-3'
Protein context (NP_003638.1, residues 285-305): WVLDAVDDMK[Ile295Val]KGQEKYIPQV

ClinVar aggregate classification (germline): Uncertain significance (1 of 4 stars; one submission).

gnomAD v4.1: 3 of 1,556,604 alleles (0.00019%); highest among the groups gnomAD compares: Non-Finnish European, 0.00026%; no homozygotes.

Submission:

Mayo Clinic Laboratories, Mayo Clinic
Classification: Uncertain significance. Last evaluated: 2025-05-01. Review status: criteria provided, single submitter. Criteria: ACMG Guidelines, 2015. Collection method: clinical testing. Allele origin: germline. Observed: 1 variant allele.
Comment: BP4_moderate